The following is an entry in ClinVar:

ClinVar aggregate classification (germline): Uncertain significance (1 of 4 stars; one submission).

Conditions:
Muscular dystrophy-dystroglycanopathy (congenital with brain and eye anomalies), type a, 11 (MDDGA11). Also called: Congenital muscular dystrophy-dystroglycanopathy with brain and eye anomalies, type A11; WALKER-WARBURG SYNDROME OR MUSCLE-EYE-BRAIN DISEASE, B3GALNT2-RELATED; Muscular dystrophy-dystroglycanopathy (congenital with brain and eye anomalies, type A, 11. Identifiers: Orphanet 588, Orphanet 899, MedGen C3554638, MONDO:0014071, OMIM 615181.

Submission:

Labcorp Genetics (formerly Invitae), Labcorp
Classification: Uncertain significance for Muscular dystrophy-dystroglycanopathy (congenital with brain and eye anomalies), type a, 11. Last evaluated: 2022-06-10. Review status: criteria provided, single submitter. Criteria: Invitae Variant Classification Sherloc (09022015). Collection method: clinical testing. Allele origin: germline.
Comment: In summary, the available evidence is currently insufficient to determine the role of this variant in disease. Therefore, it has been classified as a Variant of Uncertain Significance. Experimental studies and prediction algorithms are not available or were not evaluated, and the functional significance of this variant is currently unknown. This variant has not been reported in the literature in individuals affected with B3GALNT2-related conditions. This variant is not present in population databases (gnomAD no frequency). This variant, c.40_57del, results in the deletion of 6 amino acid(s) of the B3GALNT2 protein (p.Gly14_Leu19del), but otherwise preserves the integrity of the reading frame.

NM_152490.5(B3GALNT2):c.40_57del (p.Gly14_Leu19del)

Gene: B3GALNT2 (beta-1,3-N-acetylgalactosaminyltransferase 2; minus strand). Cytogenetic location: 1q42.3.
Variant type: Deletion.
Coding change: c.40_57del on transcript NM_152490.5 (MANE Select); coding-DNA positions 40 to 57, 18 bases deleted (GGGGCCGCGCTGCACCTC).
Protein change: p.Gly14_Leu19del.
Molecular consequence: inframe deletion.
Genome position (GRCh38, 1-based): chr1:235,504,196-235,504,213, GAGGTGCAGCGCGGCCCC deleted on the plus strand (GGGGCCGCGCTGCACCTC on the coding strand, the reverse complement: B3GALNT2 is on the minus strand); deleting any 18 consecutive bases within chr1:235,504,196-235,504,216 gives the same sequence; the c. name uses the placement nearest the transcript's 3' end. VCF-style (leftmost placement, unchanged base first): chr1-235504195-AGAGGTGCAGCGCGGCCCC-A. GRCh37 (hg19) VCF-style: chr1-235667495-AGAGGTGCAGCGCGGCCCC-A.
Other names: c.40_57del, p.Gly14_Leu19del (NM_001277155.3).
Identifiers: ClinVar variation 2004462 (VCV002004462.4), dbSNP rs2527423871, ClinGen allele CA2580062297.